The following is an entry in ClinVar:

ClinVar aggregate classification (germline): Benign/Likely benign. Review status: criteria provided, multiple submitters, no conflicts (2 of 4 stars). 4 submissions from 4 submitters: Benign (1); Likely benign (3). Last evaluated 2024-08-21.

Conditions:
Hereditary cancer-predisposing syndrome. Also called: Hereditary neoplastic syndrome; Neoplastic Syndromes, Hereditary; Tumor predisposition; Hereditary Cancer Syndrome. Identifiers: Orphanet 140162, MedGen C0027672, MeSH D009386, MONDO:0015356.
Familial cancer of breast. Also called: BREAST CANCER, FAMILIAL; Hereditary breast cancer; hereditary breast carcinoma. Identifiers: Orphanet 227535, MedGen C0346153, MONDO:0016419, OMIM 114480. Disease mechanism: loss of function.
Ataxia-telangiectasia syndrome (AT). Also called: LOUIS-BAR SYNDROME; Cerebello-oculocutaneous telangiectasia; Immunodeficiency with ataxia telangiectasia; AT, COMPLEMENTATION GROUP C; Ataxia-telangiectasia, complementation group D; ATAXIA-TELANGIECTASIA, COMPLEMENTATION GROUP A. Identifiers: Orphanet 100, MedGen C0004135, MONDO:0008840, OMIM 208900.

Allele frequency attached by ClinVar (database versions not stated): gnomAD exomes below 0.00001; TOPMed below 0.00001.
gnomAD v4.1: 1 of 1,614,172 alleles (0.000062%); highest among the groups gnomAD compares: Non-Finnish European, 0.000085%; no homozygotes.

Submissions (4):

Labcorp Genetics (formerly Invitae), Labcorp
Classification: Likely benign for Ataxia-telangiectasia syndrome. Last evaluated: 2024-08-21. Review status: criteria provided, single submitter. Criteria: Invitae Variant Classification Sherloc (09022015). Collection method: clinical testing. Allele origin: germline.

Myriad Genetics, Inc.
Classification: Benign for Familial cancer of breast. Last evaluated: 2024-04-29. Review status: criteria provided, single submitter. Criteria: Myriad Autosomal Dominant, Autosomal Recessive and X-Linked Classification Criteria (2023). Collection method: clinical testing. Allele origin: unknown.
Comment: This variant is considered benign. This variant is a silent/synonymous amino acid change and it is not expected to impact splicing.

Color Diagnostics, LLC DBA Color Health
Classification: Likely benign for Hereditary cancer-predisposing syndrome. Last evaluated: 2023-07-06. Review status: criteria provided, single submitter. Criteria: ACMG Guidelines, 2015. Collection method: clinical testing. Allele origin: germline.

Ambry Genetics
Classification: Likely benign for Hereditary cancer-predisposing syndrome. Last evaluated: 2017-02-17. Review status: criteria provided, single submitter. Criteria: Ambry Variant Classification Scheme 2023. Collection method: clinical testing. Allele origin: germline.

NM_000051.4(ATM):c.1581T>C (p.Phe527=)

Gene: ATM (ATM serine/threonine kinase; plus strand). Cytogenetic location: 11q22.3.
Variant type: single nucleotide variant.
Coding change: c.1581T>C on transcript NM_000051.4 (MANE Select); coding-DNA position 1581, T replaced by C.
Protein change: p.Phe527=; no amino-acid change (phenylalanine 527 retained).
Molecular consequence: synonymous variant.
Genome position (GRCh38, 1-based): chr11:108,251,046, T>C. VCF-style: chr11-108251046-T-C. GRCh37 (hg19) VCF-style: chr11-108121773-T-C.
Other names: c.1581T>C, p.Phe527= (NM_001351834.2).
Identifiers: ClinVar variation 482693 (VCV000482693.17), dbSNP rs1555071227, ClinGen allele CA476744919.